The following is an entry in ClinVar:

NM_000258.3(MYL3):c.188G>C (p.Arg63Pro)

Gene: MYL3 (myosin light chain 3; minus strand). Cytogenetic location: 3p21.31.
Variant type: single nucleotide variant.
Coding change: c.188G>C on transcript NM_000258.3 (MANE Select); coding-DNA position 188, G replaced by C.
Protein change: p.Arg63Pro; replaces arginine 63 with proline.
Molecular consequence: missense variant.
Genome position (GRCh38, 1-based): chr3:46,860,795, C>G on the plus strand (G>C on the coding strand, the complement: MYL3 is on the minus strand). VCF-style: chr3-46860795-C-G. GRCh37 (hg19) VCF-style: chr3-46902285-C-G.
Other names: p.R63P:CGC>CCC; short protein forms R63P.
Identifiers: ClinVar variation 181439 (VCV000181439.12), dbSNP rs139354105, ClinGen allele CA013628.
Genomic context (GRCh38, chr3:46,860,795, plus strand): 5'-AGCGCCCGCAGGACATCCCCACACTGCCCGTAGGTGATCTTCATCTCACACTTGGGTGTG[C>G]GGTCGAACAGCATGAAGGCTTCCTTGAACTCTGCCAGGAGAGGGCAGTGAGCCACAGACA-3'
Protein context (NP_000249.1, residues 53-73): EFKEAFMLFD[Arg63Pro]TPKCEMKITY

ClinVar aggregate classification (germline): Uncertain significance. Review status: criteria provided, multiple submitters, no conflicts (2 of 4 stars). 4 submissions from 4 submitters: Uncertain significance (4). Last evaluated 2025-03-17.

Conditions:
Cardiovascular phenotype. Identifiers: MedGen CN230736.
Hypertrophic cardiomyopathy. Also called: HYPERTROPHIC MYOCARDIOPATHY. Identifiers: Orphanet 217569, MedGen C0007194, MeSH D002312, MONDO:0005045, HP:0001639.

gnomAD v4.1: 4 of 1,614,056 alleles (0.00025%); highest among the groups gnomAD compares: Non-Finnish European, 0.00034%; no homozygotes.

Submissions (4):

GeneDx
Classification: Uncertain significance. Last evaluated: 2025-03-17. Review status: criteria provided, single submitter. Criteria: GeneDx Variant Classification Process June 2021. Collection method: clinical testing. Allele origin: germline. Affected: yes.
Comment: Has not been previously published as pathogenic or benign to our knowledge; In silico analysis, which includes protein predictors and evolutionary conservation, supports a deleterious effect; Not observed at significant frequency in large population cohorts (gnomAD)

Labcorp Genetics (formerly Invitae), Labcorp
Classification: Uncertain significance for Hypertrophic cardiomyopathy. Last evaluated: 2024-05-23. Review status: criteria provided, single submitter. Criteria: Invitae Variant Classification Sherloc (09022015). Collection method: clinical testing. Allele origin: germline.
Comment: This sequence change replaces arginine, which is basic and polar, with proline, which is neutral and non-polar, at codon 63 of the MYL3 protein (p.Arg63Pro). This variant is present in population databases (rs139354105, gnomAD 0.0009%). This variant has not been reported in the literature in individuals affected with MYL3-related conditions. ClinVar contains an entry for this variant (Variation ID: 181439). An algorithm developed to predict the effect of missense changes on protein structure and function (PolyPhen-2) suggests that this variant is likely to be disruptive. In summary, the available evidence is currently insufficient to determine the role of this variant in disease. Therefore, it has been classified as a Variant of Uncertain Significance.

Ambry Genetics
Classification: Uncertain significance for Cardiovascular phenotype. Last evaluated: 2024-01-04. Review status: criteria provided, single submitter. Criteria: Ambry Variant Classification Scheme 2023. Collection method: clinical testing. Allele origin: germline.

Clinical Molecular Genetics Laboratory, Johns Hopkins All Children's Hospital
Classification: Uncertain significance for Hypertrophic cardiomyopathy. Last evaluated: 2020-01-14. Review status: criteria provided, single submitter. Criteria: ACMG Guidelines, 2015. Collection method: clinical testing. Allele origin: germline. Inheritance: Autosomal dominant inheritance. Affected: yes. Observed: 1 heterozygote.